The following is an entry in ClinVar:

ClinVar aggregate classification (germline): Uncertain significance (1 of 4 stars; one submission).

Conditions:
Hypertrophic cardiomyopathy 26. Also called: Cardiomyopathy, familial hypertrophic, 26. Identifiers: Orphanet 75249, MedGen C4310749, MONDO:0014883, OMIM 617047.
Myofibrillar myopathy 5. Also called: Filaminopathy (type); FILAMINOPATHY, AUTOSOMAL DOMINANT. Identifiers: Orphanet 171445, MedGen C1836050, MONDO:0012289, OMIM 609524.
Distal myopathy with posterior leg and anterior hand involvement. Also called: WILLIAMS DISTAL MYOPATHY. Identifiers: Orphanet 63273, MedGen C3279722, MONDO:0013550, OMIM 614065.

Submission:

Labcorp Genetics (formerly Invitae), Labcorp
Classification: Uncertain significance for Distal myopathy with posterior leg and anterior hand involvement; Myofibrillar myopathy 5; Hypertrophic cardiomyopathy 26. Last evaluated: 2025-02-20. Review status: criteria provided, single submitter. Criteria: Invitae Variant Classification Sherloc (09022015). Collection method: clinical testing. Allele origin: germline.
Comment: This sequence change replaces alanine, which is neutral and non-polar, with aspartic acid, which is acidic and polar, at codon 2264 of the FLNC protein (p.Ala2264Asp). Information on the frequency of this variant in the gnomAD database is not available, as this variant may be reported differently in the database. This variant has not been reported in the literature in individuals affected with FLNC-related conditions. An algorithm developed to predict the effect of missense changes on protein structure and function (PolyPhen-2) suggests that this variant is likely to be disruptive. In summary, the available evidence is currently insufficient to determine the role of this variant in disease. Therefore, it has been classified as a Variant of Uncertain Significance.

NM_001458.5(FLNC):c.6791_6792delinsAC (p.Ala2264Asp)

Genes: FLNC (filamin C; plus strand), FLNC-AS1 (FLNC antisense RNA 1; minus strand). Cytogenetic location: 7q32.1.
Variant type: Indel.
Coding change: c.6791_6792delinsAC on transcript NM_001458.5 (MANE Select); coding-DNA positions 6791 to 6792, CA replaced by AC.
Protein change: p.Ala2264Asp; replaces alanine 2264 with aspartic acid.
Molecular consequence: missense variant.
Genome position (GRCh38, 1-based): chr7:128,854,476-128,854,477, CA replaced by AC. VCF-style: chr7-128854476-CA-AC. GRCh37 (hg19) VCF-style: chr7-128494530-CA-AC.
Other names: c.6692_6693delinsAC, p.Ala2231Asp (NM_001127487.2); short protein forms A2231D, A2264D.
Identifiers: ClinVar variation 4812459 (VCV004812459.1).